The following is an entry in ClinVar:

NM_032444.4(SLX4):c.2464A>T (p.Met822Leu)

Gene: SLX4 (SLX4 structure-specific endonuclease subunit; minus strand). Cytogenetic location: 16p13.3.
Variant type: single nucleotide variant.
Coding change: c.2464A>T on transcript NM_032444.4 (MANE Select); coding-DNA position 2464, A replaced by T.
Protein change: p.Met822Leu; replaces methionine 822 with leucine.
Molecular consequence: missense variant.
Genome position (GRCh38, 1-based): chr16:3,591,174, T>A on the plus strand (A>T on the coding strand, the complement: SLX4 is on the minus strand). VCF-style: chr16-3591174-T-A. GRCh37 (hg19) VCF-style: chr16-3641175-T-A.
Other names: short protein forms M822L.
Identifiers: ClinVar variation 1316182 (VCV001316182.2), dbSNP rs779985555, ClinGen allele CA394523853.

ClinVar aggregate classification (germline): Uncertain significance (1 of 4 stars; one submission).

Submission:

GeneDx
Classification: Uncertain significance. Last evaluated: 2019-08-07. Review status: criteria provided, single submitter. Criteria: GeneDx Variant Classification Process June 2021. Collection method: clinical testing. Allele origin: germline. Affected: yes.
Comment: Not observed in large population cohorts (Lek et al., 2016); In silico analysis, which includes protein predictors and evolutionary conservation, supports that this variant does not alter protein structure/function; Has not been previously published as pathogenic or benign to our knowledge